The following continues an entry in ClinVar:

NM_024753.5(TTC21B):c.626C>T (p.Pro209Leu)

ClinVar aggregate classification (germline): Pathogenic/Likely pathogenic. Pathogenic (16); Likely pathogenic (2).

Submissions 15 to 27 of 27:

Gharavi Laboratory, Columbia University
Classification: Pathogenic. Last evaluated: 2018-09-16. Review status: criteria provided, single submitter. Criteria: ACMG Guidelines, 2015. Collection method: research. Allele origin: germline. Affected: yes.

Broad Center for Mendelian Genomics, Broad Institute of MIT and Harvard
Classification: Pathogenic for Nephronophthisis 12. Last evaluated: 2017-06-26. Review status: criteria provided, single submitter. Criteria: ACMG Guidelines, 2015. Collection method: research. Allele origin: germline. Inheritance: Autosomal recessive inheritance. Affected: yes. Observed: 1 variant allele. Study: Broad Institute Center for Mendelian Genomics (CMG).
Comment: Previously reported homozygous missense mutation (p.P209L) in the TTC21B gene in seven families with FSGS (PMID: 26940125).

Equipe Genetique des Anomalies du Developpement, Université de Bourgogne
Classification: Pathogenic for Nephronophthisis 12. Last evaluated: 2015-01-01. Review status: criteria provided, single submitter. Criteria: ACMG Guidelines, 2007. Collection method: clinical testing. Allele origin: inherited. Affected: yes.

Clinical Genetics Service, Universitary Hospital 12 de Octubre
Classification: Pathogenic for Nephronophthisis 12. Review status: criteria provided, single submitter. Criteria: ACMG Guidelines, 2015. Collection method: clinical testing. Allele origin: paternal. Affected: yes.

Sharon lab, Hadassah-Hebrew University Medical Center
Classification: Likely pathogenic for Senior Loken syndrome. Last evaluated: 2019-06-23. Review status: no assertion criteria provided. Collection method: research. Allele origin: inherited. Affected: yes. Not counted in ClinVar's aggregate classification.

Bioscientia Institut fuer Medizinische Diagnostik GmbH, Sonic Healthcare
Classification: Pathogenic for Finnish congenital nephrotic syndrome. Last evaluated: 2018-11-21. Review status: no assertion criteria provided. Collection method: clinical testing. Allele origin: germline. Affected: yes. Not counted in ClinVar's aggregate classification.

Sydney Genome Diagnostics, Children's Hospital Westmead
Classification: Pathogenic for Nephrotic syndrome. Last evaluated: 2018-05-03. Review status: no assertion criteria provided. Collection method: clinical testing. Allele origin: unknown. Affected: yes. Observed: 1 variant allele, 1 homozygote. Not counted in ClinVar's aggregate classification.
Comment: This variant (dbSNP: rs140511594), in the homozygous state, has been previously reported in patients with nephronophthisis and focal segmental glomerulosclerosis (FSGS) (Davis et al 2011 Nat Genet 43:189-196; Cong et al 2014 J Am Soc Nephrol 25:2435-2443; Bullich et al 2017 Nephrol Dial Transplant 32:151-156). Bullich et al 2017 also reported hypertension in some patients homozygous for p.(Pro209Leu). This variant was found in patients of North Africian or Portuguese descent. Functional studies showed the p.Pro209Leu variant partially altered cilia structure, cell migration and cytoskeleton suggesting a hypomorphic allele (Davis et al 2011; Cong et al 2014; Bullich et al 2017). This variant is considered to be pathogenic according to the ACMG guidelines.

Yale Center for Mendelian Genomics, Yale University
Classification: Likely pathogenic for Nephrotic syndrome. Last evaluated: 2017-11-10. Review status: no assertion criteria provided. Collection method: literature only. Allele origin: germline. Affected: yes. Observed: 1 homozygote. Study: Yale Center for Mendelian Genomics. Not counted in ClinVar's aggregate classification.

OMIM
Classification: Pathogenic for NEPHRONOPHTHISIS 12. Last evaluated: 2011-03-01. Review status: no assertion criteria provided. Collection method: literature only. Allele origin: germline. Not counted in ClinVar's aggregate classification.

Genome Diagnostics Laboratory, Amsterdam University Medical Center
Classification: Pathogenic. Review status: no assertion criteria provided. Collection method: clinical testing. Allele origin: germline. Affected: yes. Study: VKGL Data-share Consensus. Not counted in ClinVar's aggregate classification.

Genome Diagnostics Laboratory, University Medical Center Utrecht
Classification: Pathogenic. Review status: no assertion criteria provided. Collection method: clinical testing. Allele origin: germline. Affected: yes. Study: VKGL Data-share Consensus. Not counted in ClinVar's aggregate classification.

Genomics And Bioinformatics Analysis Resource, Columbia University
Classification: Pathogenic for Nephronophthisis 12. Review status: no assertion criteria provided. Collection method: research. Allele origin: unknown. Affected: yes. Not counted in ClinVar's aggregate classification.
Comment: Compound Heterozygous

Joint Genome Diagnostic Labs from Nijmegen and Maastricht, Radboudumc and MUMC+
Classification: Likely pathogenic. Review status: no assertion criteria provided. Collection method: clinical testing. Allele origin: germline. Affected: yes. Study: VKGL Data-share Consensus. Not counted in ClinVar's aggregate classification.

Literature cited by the submitters: PubMed 21258341 (cited by 4 submitters); PubMed 24876116 (cited by 3 submitters); PubMed 32714622 (cited by Dasa); PubMed 33532864 (cited by Molecular Biology Laboratory, Fundació Puigvert); PubMed 26940125 (cited by Broad Center for Mendelian Genomics, Broad Institute of MIT and Harvard); PubMed 29127259 (cited by Yale Center for Mendelian Genomics, Yale University).